The following is an entry in ClinVar:

NM_006648.4(WNK2):c.1501G>A (p.Asp501Asn)

Gene: WNK2 (WNK lysine deficient protein kinase 2; plus strand). Cytogenetic location: 9q22.31.
Variant type: single nucleotide variant.
Coding change: c.1501G>A on transcript NM_006648.4 (MANE Select); coding-DNA position 1501, G replaced by A.
Protein change: p.Asp501Asn; replaces aspartic acid 501 with asparagine.
Molecular consequence: missense variant.
Genome position (GRCh38, 1-based): chr9:93,239,935, G>A. VCF-style: chr9-93239935-G-A. GRCh37 (hg19) VCF-style: chr9-96002217-G-A.
Other names: c.1501G>A, p.Asp501Asn (NM_001282394.3); short protein forms D501N.
Identifiers: ClinVar variation 4201592 (VCV004201592.1).

ClinVar aggregate classification (germline): Uncertain significance (1 of 4 stars; one submission).

gnomAD v4.1: 12 of 1,612,220 alleles (0.00074%); highest among the groups gnomAD compares: Middle Eastern, 0.016%; 1 homozygote.

Submission:

Ambry Genetics
Classification: Uncertain significance. Last evaluated: 2025-07-06. Review status: criteria provided, single submitter. Criteria: Ambry Variant Classification Scheme 2023. Collection method: clinical testing. Allele origin: germline.
Comment: The p.D501N variant (also known as c.1501G>A), located in coding exon 6 of the WNK2 gene, results from a G to A substitution at nucleotide position 1501. The aspartic acid at codon 501 is replaced by asparagine, an amino acid with highly similar properties. This amino acid position is conserved. In addition, this alteration is predicted to be tolerated by in silico analysis. Based on the available evidence, the clinical significance of this variant remains unclear.